The following is an entry in ClinVar:

NM_001851.6(COL9A1):c.780+380G>A

Gene: COL9A1 (collagen type IX alpha 1 chain; minus strand). Cytogenetic location: 6q13.
Variant type: single nucleotide variant.
Coding change: c.780+380G>A on transcript NM_001851.6 (MANE Select); 380 bases into the intron after coding-DNA position 780, G replaced by A.
Molecular consequence: intron variant.
Genome position (GRCh38, 1-based): chr6:70,283,357, C>T on the plus strand (G>A on the coding strand, the complement: COL9A1 is on the minus strand). VCF-style: chr6-70283357-C-T. GRCh37 (hg19) VCF-style: chr6-70993060-C-T.
Other names: c.780+380G>A (NM_001377291.1).
Identifiers: ClinVar variation 669412 (VCV000669412.1), dbSNP rs72927370, ClinGen allele CA12239653.

ClinVar aggregate classification (germline): Benign (1 of 4 stars; one submission).

Allele frequency attached by ClinVar (database versions not stated): gnomAD 0.04731; 1000 Genomes Project 0.05471; 1000 Genomes Project 30x 0.05653; TOPMed 0.05803.
gnomAD v4.1: 50,177 of 921,922 alleles (5.4%); highest among the groups gnomAD compares: Middle Eastern, 8.3%; 1,443 homozygotes.

Submission:

GeneDx
Classification: Benign. Last evaluated: 2018-06-14. Review status: criteria provided, single submitter. Criteria: GeneDx Variant Classification (06012015). Collection method: clinical testing. Allele origin: germline. Affected: yes.
Comment: This variant is considered likely benign or benign based on one or more of the following criteria: it is a conservative change, it occurs at a poorly conserved position in the protein, it is predicted to be benign by multiple in silico algorithms, and/or has population frequency not consistent with disease.